The following is an entry in ClinVar:

NM_020738.4(KIDINS220):c.*9A>G

Gene: KIDINS220 (kinase D interacting substrate 220; minus strand). Cytogenetic location: 2p25.1.
Variant type: single nucleotide variant.
Coding change: c.*9A>G on transcript NM_020738.4 (MANE Select); 9 bases downstream of the stop codon, A replaced by G.
Molecular consequence: 3 prime UTR variant. On other transcripts: intron variant (6).
Genome position (GRCh38, 1-based): chr2:8,730,711, T>C on the plus strand (A>G on the coding strand, the complement: KIDINS220 is on the minus strand). VCF-style: chr2-8730711-T-C. GRCh37 (hg19) VCF-style: chr2-8870841-T-C.
Other names: c.*9A>G (NM_001348729.2, NM_001348731.2, NM_001348732.2 and 3 more transcripts); c.3882+2733A>G (NM_001348741.2, NM_001348742.2, NM_001348743.2); c.3996+2733A>G (NM_001348738.2); c.3885+2733A>G (NM_001348739.2, NM_001348740.2).
Identifiers: ClinVar variation 4987871 (VCV004987871.1).

ClinVar aggregate classification (germline): Likely benign (1 of 4 stars; one submission).

Conditions:
KIDINS220-related disorder. Also called: KIDINS220-related condition.

gnomAD v4.1: 9 of 1,609,654 alleles (0.00056%); highest among the groups gnomAD compares: Non-Finnish European, 0.00059%; no homozygotes.

Submission:

PreventionGenetics, part of Exact Sciences
Classification: Likely benign for KIDINS220-related condition. Last evaluated: 2026-05-22. Review status: criteria provided, single submitter. Criteria: ACMG Guidelines, 2015. Collection method: clinical testing. Allele origin: germline.
Comment: This variant is classified as likely benign based on ACMG/AMP sequence variant interpretation guidelines (Richards et al. 2015 PMID: 25741868, with internal and published modifications).